The following is an entry in ClinVar:

ClinVar aggregate classification (germline): Uncertain significance. Review status: criteria provided, single submitter (1 of 4 stars). 2 submissions from 2 submitters: Uncertain significance (1). 1 of the submissions does not count toward it. Last evaluated 2024-05-31.

Submissions (2):

Quest Diagnostics Nichols Institute San Juan Capistrano
Classification: Uncertain significance. Last evaluated: 2024-05-31. Review status: criteria provided, single submitter. Criteria: Quest Diagnostics criteria. Collection method: clinical testing. Allele origin: unknown.
Comment: The VWF c.3887T>C (p.Leu1296Pro) variant has been reported in the published literature in individuals with vWD 2m (PMID: 26986123 (2016)). This variant has not been reported in large, multi-ethnic general populations (Genome Aggregation Database). Analysis of this variant using bioinformatics tools for the prediction of the effect of amino acid changes on protein structure and function yielded predictions that this variant is damaging. Based on the available information, we are unable to determine the clinical significance of this variant.

Academic Unit of Haematology, University of Sheffield
No classification provided. Review status: no classification provided. Collection method: not provided. Allele origin: not provided. Not counted in ClinVar's aggregate classification.

Literature cited by the submitters: PubMed 26986123 (cited by Quest Diagnostics Nichols Institute San Juan Capistrano).

NM_000552.5(VWF):c.3887T>C (p.Leu1296Pro)

Gene: VWF (von Willebrand factor; minus strand). Cytogenetic location: 12p13.31.
Variant type: single nucleotide variant.
Coding change: c.3887T>C on transcript NM_000552.5 (MANE Select); coding-DNA position 3887, T replaced by C.
Protein change: p.Leu1296Pro; replaces leucine 1296 with proline.
Molecular consequence: missense variant.
Genome position (GRCh38, 1-based): chr12:6,019,531, A>G on the plus strand (T>C on the coding strand, the complement: VWF is on the minus strand). VCF-style: chr12-6019531-A-G. GRCh37 (hg19) VCF-style: chr12-6128697-A-G.
Other names: c.3887T>C (NM_000552.4); short protein forms L1296P.
Identifiers: ClinVar variation 100296 (VCV000100296.2), dbSNP rs61749381, ClinGen allele CA228474.